The following is an entry in ClinVar:

NM_000041.4(APOE):c.388T>C (p.Cys130Arg)

Gene: APOE (apolipoprotein E; plus strand). Cytogenetic location: 19q13.32.
Variant type: single nucleotide variant.
Coding change: c.388T>C on transcript NM_000041.4 (MANE Select); coding-DNA position 388, T replaced by C.
Protein change: p.Cys130Arg; replaces cysteine 130 with arginine.
Molecular consequence: missense variant.
Genome position (GRCh38, 1-based): chr19:44,908,684, T>C. VCF-style: chr19-44908684-T-C. GRCh37 (hg19) VCF-style: chr19-45411941-T-C.
Other names: C112R; ApoE4; c.466T>C, p.Cys156Arg (NM_001302688.2); c.388T>C, p.Cys130Arg (NM_001302689.2, NM_001302690.2, NM_001302691.2); short protein forms C130R, C156R.
Identifiers: ClinVar variation 17864 (VCV000017864.52), dbSNP rs429358, ClinGen allele CA127512.

ClinVar aggregate classification (germline): Conflicting classifications of pathogenicity; other; risk factor. Review status: criteria provided, conflicting classifications (1 of 4 stars). 19 submissions from 18 submitters: Pathogenic (2); Likely pathogenic (2); Likely risk allele (1); Uncertain significance (5); Benign (1); Likely benign (1). 4 of the submissions do not count toward it. Last evaluated 2026-01-26.

Conditions:
Primary degenerative dementia of the Alzheimer type, presenile onset. Also called: Early-onset Alzheimer's disease; Alzheimer disease, early onset. Identifiers: MedGen C5779573.
Familial hypercholesterolemia. Also called: Familial hypercholesterolaemia; Familial hypercholesterolemias. Identifiers: MedGen C0020445, MONDO:0005439.
Warfarin response. Also called: Warfarin sensitivity; COUMARIN SENSITIVITY; COUMARIN, POOR METABOLISM OF; WARFARIN RESISTANCE; Coumarin resistance; Coumadin response. Identifiers: MedGen C0750384, MONDO:0007390, OMIM 122700.
Alzheimer disease 2 (AD2). Also called: ALZHEIMER DISEASE 2, LATE-ONSET; ALZHEIMER DISEASE ASSOCIATED WITH APOE4. Identifiers: Orphanet 1020, MedGen C1863051, MONDO:0007089, OMIM 104310.
Lipoprotein glomerulopathy (LPG). Identifiers: Orphanet 329481, MedGen C2673196, MONDO:0012725, OMIM 611771.
Alzheimer disease. Also called: Alzheimer's disease; Presenile and senile dementia. Identifiers: Orphanet 1020, MedGen C0002395, MeSH D000544, MONDO:0004975, HP:0002511.
Alzheimer disease 4 (AD4). Identifiers: Orphanet 1020, MedGen C1847200, MONDO:0011743, OMIM 606889.

Allele frequency attached by ClinVar (database versions not stated): 1000 Genomes Project 0.15056; TOPMed 0.15531; gnomAD 0.15809 and 0.16059; gnomAD exomes 0.13850 and 0.14793; 1000 Genomes Project 30x 0.15116; ExAC 0.18433.
gnomAD v4.1: 232,864 of 1,567,892 alleles (15%); highest among the groups gnomAD compares: African/African-American, 22%; 17,710 homozygotes.

Submissions 1 to 17 of 19:

3billion
Classification: Pathogenic for Alzheimer disease 2. Last evaluated: 2026-01-26. Review status: criteria provided, single submitter. Criteria: ACMG Guidelines, 2015. Collection method: clinical testing. Allele origin: germline. Affected: yes.
Comment: The variant is observed in the gnomAD v4.1.0 dataset (total allele frequency: 14.852%). Predicted Consequence/Location: Missense variant Damaging effect on gene or gene product predicted by in silico programs is uncertain [REVEL: 0.23 (damaging >=0.6, benign <0.4), 3Cnet: 0.67 (damaging >0.75, benign <0.1)]. The same nucleotide change resulting in the same amino acid change has been previously reported as pathogenic/likely pathogenic with strong evidence (ClinVar ID: VCV000017864 /PMID: - /3billion dataset). The variant has been observed in multiple (>3) similarly affected unrelated individuals (PMID: 10213549, 15184602, 15326261). Therefore, this variant is classified as Risk allele according to the recommendation of ACMG/AMP guideline.

OLLIN Analises Genomicas, OLLIN
Classification: Likely risk allele for Alzheimer disease 2. Last evaluated: 2025-11-04. Review status: criteria provided, single submitter. Criteria: ACMG Guidelines 2015 PMID 25741868. Collection method: clinical testing. Allele origin: germline. Affected: yes. Observed: 17 variant alleles.
Comment: The missense variant (chr19:44908684 T>C), located in exon 4 (of 4), called """"""""""""""""apoE4 isoform"""""""""""""""", is reported in ClinVar (VCV000441269.4) and gnomAD v4.1 non-UKB with an allele frequency of 14.25%. This allele is associated with an increased risk of early- and late-onset Alzheimer's disease (MIM 104310). Heterozygous individuals (""""""""""""""""APOE e3/e4"""""""""""""""") have a 3 times greater risk, while homozygous individuals (""""""""""""""""APOE e4/e4"""""""""""""""") have a 15 times greater risk. The risk of developing Alzheimer's at age 75 is estimated to be 10%-20% for heterozygotes and 25%-35% for homozygotes. Despite this association, genotyping this allele has limited value as a predictive test in asymptomatic individuals. Additionally, approximately 42% of individuals with Alzheimer's disease do not present this variant (PMID: 26312828, 20301340). Therefore, it is reinforced that the presence of this allele is not a determining factor for the development of Alzheimer's. Caution is advised in interpreting this result. Genetic counseling is recommended, at the physician's discretion.

Genomic Medicine Center of Excellence, King Faisal Specialist Hospital and Research Centre
Classification: Uncertain significance for Alzheimer disease 2. Last evaluated: 2025-09-10. Review status: criteria provided, single submitter. Criteria: ACMG Guidelines, 2015. Collection method: clinical testing. Allele origin: germline.

Mayo Clinic Laboratories, Mayo Clinic
Classification: Likely benign. Last evaluated: 2025-04-21. Review status: criteria provided, single submitter. Criteria: ACMG Guidelines, 2015. Collection method: clinical testing. Allele origin: germline. Observed: 295 variant alleles.
Comment: BA1, BS2, BP4

Laboratory of Genetics, Children's Clinical University Hospital Latvia
Classification: Benign. Last evaluated: 2025-02-16. Review status: criteria provided, single submitter. Criteria: ACMG Guidelines, 2015. Collection method: clinical testing. Allele origin: germline. Affected: yes.

Greenwood Genetic Center Diagnostic Laboratories, Greenwood Genetic Center
Classification: Uncertain significance. Last evaluated: 2024-10-15. Review status: criteria provided, single submitter. Criteria: ACMG Guidelines, 2015. Collection method: clinical testing. Allele origin: germline. Affected: yes.
Comment: No Rules Apply

Cambridge Genomics Laboratory, East Genomic Laboratory Hub, NHS Genomic Medicine Service
Classification: Uncertain significance for Familial hypercholesterolaemia. Last evaluated: 2024-06-04. Review status: criteria provided, single submitter. Criteria: ACGS Best Practice Guidelines for Variant Classification in Rare Disease 2020. Collection method: clinical testing. Allele origin: germline. Affected: yes.

CeGaT Center for Human Genetics Tuebingen
Classification: Uncertain significance. Last evaluated: 2022-10-01. Review status: criteria provided, single submitter. Criteria: CeGaT Center For Human Genetics Tuebingen Variant Classification Criteria Version 2. Collection method: clinical testing. Allele origin: germline. Affected: yes. Observed: 1 variant allele.

AiLife Diagnostics
Classification: Likely pathogenic. Last evaluated: 2022-03-29. Review status: criteria provided, single submitter. Criteria: ACMG Guidelines, 2015. Collection method: clinical testing. Allele origin: germline. Affected: yes. Observed: 618 variant alleles.

Centre for Mendelian Genomics, University Medical Centre Ljubljana
Classification: Pathogenic for Alzheimer disease 4. Last evaluated: 2020-03-24. Review status: criteria provided, single submitter. Criteria: ACMG Guidelines, 2015. Collection method: clinical testing. Allele origin: unknown. Affected: yes.
Comment: This variant was classified as: Pathogenic. The following ACMG criteria were applied in classifying this variant: PM4. This variant was detected in homozygous state.

Molecular Diagnostics Laboratory, M Health Fairview: University of Minnesota
Classification: Likely pathogenic for Alzheimer disease type 1. Last evaluated: 2019-06-27. Review status: criteria provided, single submitter. Criteria: ACMG Guidelines, 2015. Collection method: clinical testing. Allele origin: germline. Affected: yes. Observed: 5 variant alleles.

Laboratory for Molecular Medicine, Mass General Brigham Personalized Medicine
Classification: risk factor for Primary degenerative dementia of the Alzheimer type, presenile onset. Last evaluated: 2019-01-16. Review status: criteria provided, single submitter. Criteria: LMM Criteria. Collection method: clinical testing. Allele origin: germline. Observed: 28 variant alleles.
Comment: proposed classification - variant undergoing re-assessment, contact laboratory

Institute of Human Genetics, University of Leipzig Medical Center
Classification: Uncertain significance for Lipoprotein glomerulopathy. Last evaluated: 2019-01-01. Review status: criteria provided, single submitter. Criteria: ACMG Guidelines, 2015. Collection method: clinical testing. Allele origin: unknown. Affected: no.

Eurofins Ntd Llc (ga)
Classification: other. Last evaluated: 2017-11-17. Review status: criteria provided, single submitter. Criteria: EGL Classification Definitions 2015. Collection method: clinical testing. Allele origin: germline. Observed: 5 variant alleles, 4 heterozygotes, 1 homozygote.

Molecular Diagnostic Laboratory for Inherited Cardiovascular Disease, Montreal Heart Institute
Classification: risk factor. Review status: criteria provided, single submitter. Criteria: ACMG Guidelines, 2015. Collection method: clinical testing. Allele origin: germline. Affected: yes.

OMIM
Classification: Pathogenic for ALZHEIMER DISEASE 2 DUE TO APOE4 ISOFORM. Last evaluated: 2022-06-27. Review status: no assertion criteria provided. Collection method: literature only. Allele origin: germline. Not counted in ClinVar's aggregate classification.

Pharmacogenomics Lab, Chungbuk National University
Classification: drug response for Warfarin response. Last evaluated: 2010-08-31. Review status: no assertion criteria provided. Collection method: research. Allele origin: unknown. Affected: no. Observed: 142 variant alleles. Not counted in ClinVar's aggregate classification.